The following is an entry in ClinVar:

ClinVar aggregate classification (germline): Conflicting classifications of pathogenicity. Review status: criteria provided, conflicting classifications (1 of 4 stars). 4 submissions from 4 submitters: Uncertain significance (2); Likely benign (2). Last evaluated 2025-12-31.

Conditions:
Hereditary cancer-predisposing syndrome. Also called: Neoplastic Syndromes, Hereditary; Hereditary Cancer Syndrome; Tumor predisposition; Hereditary neoplastic syndrome. Identifiers: Orphanet 140162, MedGen C0027672, MeSH D009386, MONDO:0015356.
Tuberous sclerosis 1 (TSC1). Identifiers: Orphanet 805, MedGen C1854465, MONDO:0008612, OMIM 191100.

Allele frequency attached by ClinVar (database versions not stated): gnomAD 0.00001; gnomAD exomes 0.00001; ExAC 0.00002; TOPMed 0.00005.
gnomAD v4.1: 5 of 1,613,956 alleles (0.00031%); highest among the groups gnomAD compares: Admixed American, 0.0083%; no homozygotes.

Submissions (4):

Labcorp Genetics (formerly Invitae), Labcorp
Classification: Likely benign for Tuberous sclerosis 1. Last evaluated: 2025-12-31. Review status: criteria provided, single submitter. Criteria: Invitae Variant Classification Sherloc (09022015). Collection method: clinical testing. Allele origin: germline.

Quest Diagnostics Nichols Institute San Juan Capistrano
Classification: Uncertain significance. Last evaluated: 2024-05-24. Review status: criteria provided, single submitter. Criteria: Quest Diagnostics criteria. Collection method: clinical testing. Allele origin: unknown.

Ambry Genetics
Classification: Uncertain significance for Hereditary cancer-predisposing syndrome. Last evaluated: 2023-12-07. Review status: criteria provided, single submitter. Criteria: Ambry Variant Classification Scheme 2023. Collection method: clinical testing. Allele origin: germline.
Comment: The p.S673Y variant (also known as c.2018C>A), located in coding exon 14 of the TSC1 gene, results from a C to A substitution at nucleotide position 2018. The serine at codon 673 is replaced by tyrosine, an amino acid with dissimilar properties. This amino acid position is well conserved in available vertebrate species. In addition, the in silico prediction for this alteration is inconclusive. Since supporting evidence is limited at this time, the clinical significance of this alteration remains unclear.

Genome-Nilou Lab
Classification: Likely benign for Tuberous sclerosis 1. Last evaluated: 2021-11-07. Review status: criteria provided, single submitter. Criteria: ACMG Guidelines, 2015. Collection method: clinical testing. Allele origin: germline. Affected: no.

NM_000368.5(TSC1):c.2018C>A (p.Ser673Tyr)

Gene: TSC1 (TSC complex subunit 1; minus strand). Cytogenetic location: 9q34.13.
Variant type: single nucleotide variant.
Coding change: c.2018C>A on transcript NM_000368.5 (MANE Select); coding-DNA position 2018, C replaced by A.
Protein change: p.Ser673Tyr; replaces serine 673 with tyrosine.
Molecular consequence: missense variant.
Genome position (GRCh38, 1-based): chr9:132,904,434, G>T on the plus strand (C>A on the coding strand, the complement: TSC1 is on the minus strand). VCF-style: chr9-132904434-G-T. GRCh37 (hg19) VCF-style: chr9-135779821-G-T.
Other names: c.2015C>A, p.Ser672Tyr (NM_001162426.2); c.1865C>A, p.Ser622Tyr (NM_001162427.2); c.1655C>A, p.Ser552Tyr (NM_001362177.2); short protein forms S673Y, S552Y, S622Y, S672Y.
Identifiers: ClinVar variation 582010 (VCV000582010.19), dbSNP rs774835995, ClinGen allele CA030627.
Genomic context (GRCh38, chr9:132,904,434, plus strand): 5'-ATGTGGGCTGGATTTGGAGCTAAAGTAACAACTTTACCTCCAAAGTGGGTCCAGTCGACA[G>T]ACTTGCTGGGTAAAGGCAACCTAGGAAGAAAGTTTTTGAGTAACAAAGTTACCGATCTTA-3'
Protein context (NP_000359.1, residues 663-683): ELNKLPLPSK[Ser673Tyr]VDWTHFGGSP